The following is an entry in ClinVar:

ClinVar aggregate classification (germline): Uncertain significance (1 of 4 stars; one submission).

Conditions:
Hereditary breast ovarian cancer syndrome. Also called: Hereditary breast and ovarian cancer; Hereditary breast and ovarian cancer syndrome (HBOC); Breast and ovarian cancer; Hereditary breast and/or ovarian cancer syndrome; BRCA1- and BRCA2-Associated Hereditary Breast and Ovarian Cancer; Hereditary breast and ovarian cancer syndrome. Identifiers: Orphanet 145, MedGen C0677776, MeSH D061325, MONDO:0003582. Disease mechanism: loss of function.

Submissions (2):

Labcorp Genetics (formerly Invitae), Labcorp
Classification: Uncertain significance for Hereditary breast ovarian cancer syndrome. Last evaluated: 2023-10-28. Review status: criteria provided, single submitter. Criteria: Invitae Variant Classification Sherloc (09022015). Collection method: clinical testing. Allele origin: germline.
Comment: This sequence change replaces leucine, which is neutral and non-polar, with histidine, which is basic and polar, at codon 1795 of the BRCA1 protein (p.Leu1795His). This variant is not present in population databases (gnomAD no frequency). This variant has not been reported in the literature in individuals affected with BRCA1-related conditions. ClinVar contains an entry for this variant (Variation ID: 868040). Advanced modeling performed at Invitae incorporating data from internal and/or published experimental studies (PMID: 30209399) indicates that this missense variant is not expected to disrupt BRCA1 function with a negative predictive value of 95%. Experimental studies have shown that this missense change does not substantially affect BRCA1 function (PMID: 30209399). In summary, the available evidence is currently insufficient to determine the role of this variant in disease. Therefore, it has been classified as a Variant of Uncertain Significance.

Brotman Baty Institute, University of Washington
No classification provided (evidence only). Condition: Breast-ovarian cancer, familial 1. Review status: no classification provided. Collection method: in vitro. Allele origin: not applicable. Functional consequence: functionally_normal. Not counted in ClinVar's aggregate classification.
ClinVar note: "not provided" was previously submitted as the classification for the variant. However, the classification appeared to be based only on an observation of functional data so it was converted to no classification on 2025-07-30.

Literature cited by the submitters: PubMed 30209399 (cited by Labcorp Genetics (formerly Invitae), Labcorp).

NM_007294.4(BRCA1):c.5384T>A (p.Leu1795His)

Gene: BRCA1 (BRCA1 DNA repair associated; minus strand). Cytogenetic location: 17q21.31.
Variant type: single nucleotide variant.
Coding change: c.5384T>A on transcript NM_007294.4 (MANE Select); coding-DNA position 5384, T replaced by A.
Protein change: p.Leu1795His; replaces leucine 1795 with histidine.
Molecular consequence: missense variant. On other transcripts: non-coding transcript variant (1), intron variant (1).
Genome position (GRCh38, 1-based): chr17:43,049,143, A>T on the plus strand (T>A on the coding strand, the complement: BRCA1 is on the minus strand). VCF-style: chr17-43049143-A-T. GRCh37 (hg19) VCF-style: chr17-41201160-A-T.
Other names: c.5243T>A, p.Leu1748His (NM_001407724.1, NM_001407725.1, NM_001407726.1 and 12 more transcripts); c.5240T>A, p.Leu1747His (NM_001407737.1, NM_001407738.1, NM_001407739.1 and 18 more transcripts); c.5237T>A, p.Leu1746His (NM_001407842.1, NM_001407843.1, NM_001407844.1 and 12 more transcripts); c.5174T>A, p.Leu1725His (NM_001407884.1, NM_001407885.1, NM_001407886.1 and 5 more transcripts); c.5171T>A, p.Leu1724His (NM_001407894.1, NM_001407895.1, NM_001407896.1 and 12 more transcripts); c.5168T>A, p.Leu1723His (NM_001407915.1, NM_001407916.1, NM_001407917.1 and 1 more transcripts); c.5120T>A, p.Leu1707His (NM_001407920.1, NM_001407921.1, NM_001407922.1 and 4 more transcripts); c.5114T>A, p.Leu1705His (NM_001407935.1, NM_001407936.1, NM_001407934.1); and 73 more; short protein forms L1748H, L1795H, L1816H, L691H, L1626H, L1684H, L1705H, L1707H.
Identifiers: ClinVar variation 868040 (VCV000868040.6), dbSNP rs2051079713, ClinGen allele CA10590706.
Genomic context (GRCh38, chr17:43,049,143, plus strand): 5'-TTGTGTCCTCCCTCTCTGACAGGGCACCCAATACTTACTGTGCCAAGGGTGAATGATGAA[A>T]GCTCCTTCACCACAGAAGCACCACACAGCTGTACCATCCATTCCAGTTGATCTAAAATGG-3'
Protein context (NP_009225.1, residues 1785-1805): QLCGASVVKE[Leu1795His]SSFTLGTGVH